The following is an entry in ClinVar:

ClinVar aggregate classification (germline): Conflicting classifications of pathogenicity. Review status: criteria provided, conflicting classifications (1 of 4 stars). 2 submissions from 2 submitters: Uncertain significance (1); Likely benign (1). Last evaluated 2025-02-16.

Conditions:
OTUD5-related disorder. Also called: OTUD5-related condition.

Submissions (2):

Laboratory of Genetics, Children's Clinical University Hospital Latvia
Classification: Likely benign. Last evaluated: 2025-02-16. Review status: criteria provided, single submitter. Criteria: ACMG Guidelines, 2015. Collection method: clinical testing. Allele origin: germline. Affected: yes.

PreventionGenetics, part of Exact Sciences
Classification: Uncertain significance for OTUD5-related condition. Last evaluated: 2023-02-12. Review status: criteria provided, single submitter. Criteria: ACMG Guidelines, 2015. Collection method: clinical testing. Allele origin: germline.
Comment: The OTUD5 c.125_145del21 variant is predicted to result in an in-frame deletion (p.Gly42_Gly48del). To our knowledge, this variant has not been reported in the literature or in a large population database, indicating this variant is rare. At this time, the clinical significance of this variant is uncertain due to the absence of conclusive functional and genetic evidence.

NM_001136157.2(OTUD5):c.125_145del (p.Gly42_Gly48del)

Gene: OTUD5 (OTU deubiquitinase 5; minus strand). Cytogenetic location: Xp11.23.
Variant type: Deletion.
Coding change: c.125_145del on transcript NM_001136157.2 (MANE Select); coding-DNA positions 125 to 145, 21 bases deleted (GCACGGGCGTGGGCGGCGGCG).
Protein change: p.Gly42_Gly48del.
Molecular consequence: inframe deletion. On other transcripts: intron variant (1).
Genome position (GRCh38, 1-based): chrX:48,957,426-48,957,446, CGCCGCCGCCCACGCCCGTGC deleted on the plus strand (GCACGGGCGTGGGCGGCGGCG on the coding strand, the reverse complement: OTUD5 is on the minus strand); deleting any 21 consecutive bases within chrX:48,957,426-48,957,463 gives the same sequence; the c. name uses the placement nearest the transcript's 3' end. VCF-style (leftmost placement, unchanged base first): chrX-48957425-TCGCCGCCGCCCACGCCCGTGC-T. GRCh37 (hg19) VCF-style: chrX-48814687-TCGCCGCCGCCCACGCCCGTGC-T.
Other names: c.125_145del, p.Gly42_Gly48del (NM_001136158.2, NM_017602.4); c.-58+786_-58+806del (NM_001136159.2).
Identifiers: ClinVar variation 2634595 (VCV002634595.2), dbSNP rs1447498742, ClinGen allele CA641902409.